The following is an entry in ClinVar:

ClinVar aggregate classification (germline): Conflicting classifications of pathogenicity. Review status: criteria provided, conflicting classifications (1 of 4 stars). 4 submissions from 4 submitters: Uncertain significance (3); Likely benign (1). Last evaluated 2026-06-29.

Conditions:
Inborn genetic diseases. Identifiers: MedGen C0950123, MeSH D030342.
TTLL5-related disorder. Also called: TTLL5-related condition.

Allele frequency attached by ClinVar (database versions not stated): gnomAD exomes 0.00004; ExAC 0.00005; gnomAD 0.00019 and 0.00022; 1000 Genomes Project 0.00020; TOPMed 0.00025; 1000 Genomes Project 30x 0.00031; ESP Exome Variant Server 0.00031.
gnomAD v4.1: 83 of 1,613,442 alleles (0.0051%); highest among the groups gnomAD compares: African/African-American, 0.064%; no homozygotes.

Submissions (4):

PreventionGenetics, part of Exact Sciences
Classification: Uncertain significance for TTLL5-related condition. Last evaluated: 2026-06-29. Review status: criteria provided, single submitter. Criteria: ACMG Guidelines, 2015. Collection method: clinical testing. Allele origin: germline.
Comment: The TTLL5 c.521G>A variant is predicted to result in the amino acid substitution p.Arg174Gln. To our knowledge, this variant has not been reported in the literature. This variant is reported in 0.032% of alleles in individuals of African descent in gnomAD. At this time, the clinical significance of this variant is uncertain due to the absence of conclusive functional and genetic evidence.

Labcorp Genetics (formerly Invitae), Labcorp
Classification: Uncertain significance. Last evaluated: 2023-12-11. Review status: criteria provided, single submitter. Criteria: Invitae Variant Classification Sherloc (09022015). Collection method: clinical testing. Allele origin: germline.
Comment: This sequence change replaces arginine, which is basic and polar, with glutamine, which is neutral and polar, at codon 174 of the TTLL5 protein (p.Arg174Gln). This variant is present in population databases (rs141614130, gnomAD 0.04%). This variant has not been reported in the literature in individuals affected with TTLL5-related conditions. ClinVar contains an entry for this variant (Variation ID: 858619). Advanced modeling of protein sequence and biophysical properties (such as structural, functional, and spatial information, amino acid conservation, physicochemical variation, residue mobility, and thermodynamic stability) performed at Invitae indicates that this missense variant is not expected to disrupt TTLL5 protein function with a negative predictive value of 80%. In summary, the available evidence is currently insufficient to determine the role of this variant in disease. Therefore, it has been classified as a Variant of Uncertain Significance.

Blueprint Genetics
Classification: Likely benign. Last evaluated: 2022-11-24. Review status: criteria provided, single submitter. Criteria: ACMG Guidelines, 2015. Collection method: clinical testing. Allele origin: germline.

Ambry Genetics
Classification: Uncertain significance for Inborn genetic diseases. Last evaluated: 2021-08-12. Review status: criteria provided, single submitter. Criteria: Ambry Variant Classification Scheme 2023. Collection method: clinical testing. Allele origin: germline.

NM_015072.5(TTLL5):c.521G>A (p.Arg174Gln)

Gene: TTLL5 (tubulin tyrosine ligase like 5; plus strand). Cytogenetic location: 14q24.3.
Variant type: single nucleotide variant.
Coding change: c.521G>A on transcript NM_015072.5 (MANE Select); coding-DNA position 521, G replaced by A.
Protein change: p.Arg174Gln; replaces arginine 174 with glutamine.
Molecular consequence: missense variant.
Genome position (GRCh38, 1-based): chr14:75,699,206, G>A. VCF-style: chr14-75699206-G-A. GRCh37 (hg19) VCF-style: chr14-76165549-G-A.
Other names: short protein forms R174Q.
Identifiers: ClinVar variation 858619 (VCV000858619.9), dbSNP rs141614130, ClinGen allele CA7278967.